The following is an entry in ClinVar:

ClinVar aggregate classification (germline): Pathogenic. Review status: criteria provided, multiple submitters, no conflicts (2 of 4 stars). 3 submissions from 3 submitters: Pathogenic (3). Last evaluated 2024-05-02.

Conditions:
Hereditary cancer-predisposing syndrome. Also called: Tumor predisposition; Neoplastic Syndromes, Hereditary; Hereditary Cancer Syndrome; Hereditary neoplastic syndrome. Identifiers: Orphanet 140162, MedGen C0027672, MeSH D009386, MONDO:0015356.
Hereditary nonpolyposis colorectal neoplasms. Identifiers: MedGen C0009405, MeSH D003123.
Lynch syndrome 5 (LYNCH5). Also called: Colorectal cancer, hereditary nonpolyposis, type 5; Hereditary non-polyposis colorectal cancer, type 5. Identifiers: Orphanet 144, MedGen C1833477, MONDO:0013710, OMIM 614350. Disease mechanism: loss of function.

Submissions (3):

Ambry Genetics
Classification: Pathogenic for Hereditary cancer-predisposing syndrome. Last evaluated: 2024-05-02. Review status: criteria provided, single submitter. Criteria: Ambry Variant Classification Scheme 2023. Collection method: clinical testing. Allele origin: germline.
Comment: The c.3450dupA pathogenic mutation, located in coding exon 6 of the MSH6 gene, results from a duplication of A at nucleotide position 3450, causing a translational frameshift with a predicted alternate stop codon (p.A1151Sfs*13). This variant is considered to be rare based on population cohorts in the Genome Aggregation Database (gnomAD). This alteration is expected to result in loss of function by premature protein truncation or nonsense-mediated mRNA decay. As such, this alteration is interpreted as a disease-causing mutation.

Myriad Genetics, Inc.
Classification: Pathogenic for Lynch syndrome 5. Last evaluated: 2023-08-23. Review status: criteria provided, single submitter. Criteria: Myriad Autosomal Dominant, Autosomal Recessive and X-Linked Classification Criteria (2023). Collection method: clinical testing. Allele origin: unknown.
Comment: This variant is considered pathogenic. This variant creates a frameshift predicted to result in premature protein truncation.

Labcorp Genetics (formerly Invitae), Labcorp
Classification: Pathogenic for Hereditary nonpolyposis colorectal neoplasms. Last evaluated: 2021-11-29. Review status: criteria provided, single submitter. Criteria: Invitae Variant Classification Sherloc (09022015). Collection method: clinical testing. Allele origin: germline.
Comment: This variant has not been reported in the literature in individuals affected with MSH6-related conditions. This sequence change creates a premature translational stop signal (p.Ala1151Serfs*13) in the MSH6 gene. It is expected to result in an absent or disrupted protein product. Loss-of-function variants in MSH6 are known to be pathogenic (PMID: 18269114, 24362816). This variant is not present in population databases (gnomAD no frequency). For these reasons, this variant has been classified as Pathogenic.

Literature cited by the submitters: PubMed 18269114 (cited by Labcorp Genetics (formerly Invitae), Labcorp); PubMed 24362816 (cited by Labcorp Genetics (formerly Invitae), Labcorp).

NM_000179.3(MSH6):c.3450dup (p.Ala1151fs)

Gene: MSH6 (mutS homolog 6; plus strand). Cytogenetic location: 2p16.3.
Variant type: Duplication.
Coding change: c.3450dup on transcript NM_000179.3 (MANE Select); coding-DNA position 3450, one base duplicated (A; older notation c.3450dupA).
Protein change: p.Ala1151fs; shifts the reading frame from alanine 1151.
Molecular consequence: frameshift variant.
Genome position (GRCh38, 1-based): chr2:47,804,921, A duplicated. VCF-style (leftmost placement, unchanged base first): chr2-47804920-T-TA. GRCh37 (hg19) VCF-style: chr2-48032059-T-TA.
Other names: c.3060dup, p.Ala1021fs (NM_001281492.2); c.2544dup, p.Ala849fs (NM_001281493.2, NM_001281494.2); c.3450dupA (NM_000179.2); short protein forms A1021fs, A1151fs, A849fs.
Identifiers: ClinVar variation 1452563 (VCV001452563.8), dbSNP rs2104504315, ClinGen allele CA2573134738.